The following is an entry in ClinVar:

NM_000092.5(COL4A4):c.3907C>T (p.Pro1303Ser)

Gene: COL4A4 (collagen type IV alpha 4 chain; minus strand). Cytogenetic location: 2q36.3.
Variant type: single nucleotide variant.
Coding change: c.3907C>T on transcript NM_000092.5 (MANE Select); coding-DNA position 3907, C replaced by T.
Protein change: p.Pro1303Ser; replaces proline 1303 with serine.
Molecular consequence: missense variant.
Genome position (GRCh38, 1-based): chr2:227,030,509, G>A on the plus strand (C>T on the coding strand, the complement: COL4A4 is on the minus strand). VCF-style: chr2-227030509-G-A. GRCh37 (hg19) VCF-style: chr2-227895225-G-A.
Other names: short protein forms P1303S.
Identifiers: ClinVar variation 3268733 (VCV003268733.2).

ClinVar aggregate classification (germline): Uncertain significance. Review status: criteria provided, multiple submitters, no conflicts (2 of 4 stars). 2 submissions from 2 submitters: Uncertain significance (2). Last evaluated 2026-01-07.

Conditions:
Inborn genetic diseases. Identifiers: MedGen C0950123, MeSH D030342.

gnomAD v4.1: 1 of 1,613,938 alleles (0.000062%); highest among the groups gnomAD compares: Non-Finnish European, 0.000085%; no homozygotes.

Submissions (2):

Labcorp Genetics (formerly Invitae), Labcorp
Classification: Uncertain significance. Last evaluated: 2026-01-07. Review status: criteria provided, single submitter. Criteria: Invitae Variant Classification Sherloc (09022015). Collection method: clinical testing. Allele origin: germline.
Comment: This sequence change replaces proline, which is neutral and non-polar, with serine, which is neutral and polar, at codon 1303 of the COL4A4 protein (p.Pro1303Ser). This variant is not present in population databases (gnomAD no frequency). This variant has not been reported in the literature in individuals affected with COL4A4-related conditions. ClinVar contains an entry for this variant (Variation ID: 3268733). Invitae Evidence Modeling of protein sequence and biophysical properties (such as structural, functional, and spatial information, amino acid conservation, physicochemical variation, residue mobility, and thermodynamic stability) indicates that this missense variant is not expected to disrupt COL4A4 protein function with a negative predictive value of 95%. In summary, the available evidence is currently insufficient to determine the role of this variant in disease. Therefore, it has been classified as a Variant of Uncertain Significance.

Ambry Genetics
Classification: Uncertain significance for Inborn genetic diseases. Last evaluated: 2024-05-06. Review status: criteria provided, single submitter. Criteria: Ambry Variant Classification Scheme 2023. Collection method: clinical testing. Allele origin: germline.